The following is an entry in ClinVar:

ClinVar aggregate classification (germline): Uncertain significance (1 of 4 stars; one submission).

Allele frequency attached by ClinVar (database versions not stated): gnomAD exomes below 0.00001.
gnomAD v4.1: 1 of 1,612,108 alleles (0.000062%); highest among the groups gnomAD compares: South Asian, 0.0011%; no homozygotes.

Submission:

Labcorp Genetics (formerly Invitae), Labcorp
Classification: Uncertain significance. Last evaluated: 2022-04-22. Review status: criteria provided, single submitter. Criteria: Invitae Variant Classification Sherloc (09022015). Collection method: clinical testing. Allele origin: germline.
Comment: In summary, the available evidence is currently insufficient to determine the role of this variant in disease. Therefore, it has been classified as a Variant of Uncertain Significance. Variants that disrupt the consensus splice site are a relatively common cause of aberrant splicing (PMID: 17576681, 9536098). Algorithms developed to predict the effect of sequence changes on RNA splicing suggest that this variant is not likely to affect RNA splicing. This variant has not been reported in the literature in individuals affected with RPL35-related conditions. This variant is present in population databases (no rsID available, gnomAD 0.003%). This sequence change affects codon 74 of the RPL35 mRNA. It is a 'silent' change, meaning that it does not change the encoded amino acid sequence of the RPL35 protein. This variant also falls at the last nucleotide of exon 3, which is part of the consensus splice site for this exon.

Literature cited by the submitters: PubMed 17576681; PubMed 9536098.

NM_007209.4(RPL35):c.222G>A (p.Lys74=)

Gene: RPL35 (ribosomal protein L35; minus strand). Cytogenetic location: 9q33.3.
Variant type: single nucleotide variant.
Coding change: c.222G>A on transcript NM_007209.4 (MANE Select); coding-DNA position 222, G replaced by A.
Protein change: p.Lys74=; no amino-acid change (lysine 74 retained).
Molecular consequence: synonymous variant.
Genome position (GRCh38, 1-based): chr9:124,860,183, C>T on the plus strand (G>A on the coding strand, the complement: RPL35 is on the minus strand). VCF-style: chr9-124860183-C-T. GRCh37 (hg19) VCF-style: chr9-127622462-C-T.
Identifiers: ClinVar variation 2123297 (VCV002123297.4), dbSNP rs1490958341, ClinGen allele CA467121717.